The following is an entry in ClinVar:

NM_015340.4(LARS2):c.1256G>A (p.Arg419Gln)

Genes: LARS2 (leucyl-tRNA synthetase 2, mitochondrial; plus strand), LARS2-AS1 (LARS2 antisense RNA 1; minus strand). Cytogenetic location: 3p21.31.
Variant type: single nucleotide variant.
Coding change: c.1256G>A on transcript NM_015340.4 (MANE Select); coding-DNA position 1256, G replaced by A.
Protein change: p.Arg419Gln; replaces arginine 419 with glutamine.
Molecular consequence: missense variant.
Genome position (GRCh38, 1-based): chr3:45,491,533, G>A. VCF-style: chr3-45491533-G-A. GRCh37 (hg19) VCF-style: chr3-45533025-G-A.
Other names: c.1256G>A, p.Arg419Gln (NM_001368263.1); short protein forms R419Q.
Identifiers: ClinVar variation 4537517 (VCV004537517.1).

ClinVar aggregate classification (germline): Uncertain significance (1 of 4 stars; one submission).

gnomAD v4.1: 10 of 1,613,972 alleles (0.00062%); highest among the groups gnomAD compares: Middle Eastern, 0.066%; no homozygotes.

Submission:

GeneDx
Classification: Uncertain significance. Last evaluated: 2025-06-12. Review status: criteria provided, single submitter. Criteria: GeneDx Variant Classification Process June 2021. Collection method: clinical testing. Allele origin: germline. Affected: yes.
Comment: Not observed at significant frequency in large population cohorts (gnomAD); In silico analysis suggests that this missense variant does not alter protein structure/function; Has not been previously published as pathogenic or benign to our knowledge